The following is an entry in ClinVar:

ClinVar aggregate classification (germline): Uncertain significance. Review status: criteria provided, multiple submitters, no conflicts (2 of 4 stars). 3 submissions from 3 submitters: Uncertain significance (3). Last evaluated 2025-08-25.

Allele frequency attached by ClinVar (database versions not stated): gnomAD exomes 0.00001 and 0.00003; gnomAD 0.00002; TOPMed 0.00002; ExAC 0.00004.
gnomAD v4.1: 23 of 1,612,394 alleles (0.0014%); highest among the groups gnomAD compares: Admixed American, 0.017%; no homozygotes.

Submissions (3):

Ambry Genetics
Classification: Uncertain significance. Last evaluated: 2025-08-25. Review status: criteria provided, single submitter. Criteria: Ambry Variant Classification Scheme 2023. Collection method: clinical testing. Allele origin: germline.

Blueprint Genetics
Classification: Uncertain significance. Last evaluated: 2024-10-18. Review status: criteria provided, single submitter. Criteria: ACMG Guidelines, 2015. Collection method: clinical testing. Allele origin: germline.

Labcorp Genetics (formerly Invitae), Labcorp
Classification: Uncertain significance. Last evaluated: 2022-10-05. Review status: criteria provided, single submitter. Criteria: Invitae Variant Classification Sherloc (09022015). Collection method: clinical testing. Allele origin: germline.
Comment: This sequence change replaces glutamine with lysine at codon 618 of the CEP250 protein (p.Gln618Lys). The glutamine residue is moderately conserved and there is a small physicochemical difference between glutamine and lysine. This variant is present in population databases (rs748842443, gnomAD 0.01%). This variant has not been reported in the literature in individuals affected with CEP250-related conditions. ClinVar contains an entry for this variant (Variation ID: 1434556). Algorithms developed to predict the effect of missense changes on protein structure and function are either unavailable or do not agree on the potential impact of this missense change (SIFT: "Not Available"; PolyPhen-2: "Probably Damaging"; Align-GVGD: "Not Available"). In summary, the available evidence is currently insufficient to determine the role of this variant in disease. Therefore, it has been classified as a Variant of Uncertain Significance.

NM_007186.6(CEP250):c.1852C>A (p.Gln618Lys)

Genes: CEP250 (centrosomal protein 250; plus strand), CEP250-AS1 (CEP250 antisense RNA 1; minus strand). Cytogenetic location: 20q11.22.
Variant type: single nucleotide variant.
Coding change: c.1852C>A on transcript NM_007186.6 (MANE Select); coding-DNA position 1852, C replaced by A.
Protein change: p.Gln618Lys; replaces glutamine 618 with lysine.
Molecular consequence: missense variant. On other transcripts: 5 prime UTR variant (1).
Genome position (GRCh38, 1-based): chr20:35,476,584, C>A. VCF-style: chr20-35476584-C-A. GRCh37 (hg19) VCF-style: chr20-34064409-C-A.
Other names: c.-48C>A (NM_001318219.1); c.1852C>A (NM_007186.3); short protein forms Q618K.
Identifiers: ClinVar variation 1434556 (VCV001434556.5), dbSNP rs748842443, ClinGen allele CA9833042.